The following is an entry in ClinVar:

NM_152564.5(VPS13B):c.6141T>G (p.Asn2047Lys)

Gene: VPS13B (vacuolar protein sorting 13 homolog B; plus strand). Cytogenetic location: 8q22.2.
Variant type: single nucleotide variant.
Coding change: c.6141T>G on transcript NM_152564.5 (MANE Select); coding-DNA position 6141, T replaced by G.
Protein change: p.Asn2047Lys; replaces asparagine 2047 with lysine.
Molecular consequence: missense variant.
Genome position (GRCh38, 1-based): chr8:99,699,619, T>G. VCF-style: chr8-99699619-T-G. GRCh37 (hg19) VCF-style: chr8-100711847-T-G.
Other names: c.6216T>G, p.Asn2072Lys (NM_017890.5); short protein forms N2072K, N2047K.
Identifiers: ClinVar variation 4980541 (VCV004980541.1).

ClinVar aggregate classification (germline): Uncertain significance (1 of 4 stars; one submission).

Conditions:
VPS13B-related disorder. Also called: VPS13B-related condition.

gnomAD v4.1: 38 of 1,613,992 alleles (0.0024%); highest among the groups gnomAD compares: South Asian, 0.033%; 2 homozygotes.

Submission:

PreventionGenetics, part of Exact Sciences
Classification: Uncertain significance for VPS13B-related condition. Last evaluated: 2026-01-28. Review status: criteria provided, single submitter. Criteria: ACMG Guidelines, 2015. Collection method: clinical testing. Allele origin: germline.
Comment: The VPS13B c.6141T>G variant is predicted to result in the amino acid substitution p.Asn2047Lys. To our knowledge, this variant has not been reported in the literature. This variant is reported in 0.020% of alleles in individuals of South Asian descent in gnomAD. At this time, the clinical significance of this variant is uncertain due to the absence of conclusive functional and genetic evidence.